The following is an entry in ClinVar:

NM_001267550.2(TTN):c.58392T>C (p.Ser19464=)

Genes: TTN-AS1 (TTN antisense RNA 1; plus strand), TTN (titin; minus strand). Cytogenetic location: 2q31.2.
Variant type: single nucleotide variant.
Coding change: c.58392T>C on transcript NM_001267550.2 (MANE Select); coding-DNA position 58392, T replaced by C.
Protein change: p.Ser19464=; no amino-acid change (serine 19464 retained).
Molecular consequence: synonymous variant.
Genome position (GRCh38, 1-based): chr2:178,594,001, A>G on the plus strand (T>C on the coding strand, the complement: TTN is on the minus strand). VCF-style: chr2-178594001-A-G. GRCh37 (hg19) VCF-style: chr2-179458728-A-G.
Other names: c.50688T>C, p.Ser16896= (NM_133378.4); c.53469T>C, p.Ser17823= (NM_001256850.1); c.31197T>C, p.Ser10399= (NM_003319.4); c.31572T>C, p.Ser10524= (NM_133432.3); c.31773T>C, p.Ser10591= (NM_133437.4).
Identifiers: ClinVar variation 228112 (VCV000228112.15), dbSNP rs876657609, ClinGen allele CA10576508.

ClinVar aggregate classification (germline): Likely benign. Review status: criteria provided, multiple submitters, no conflicts (2 of 4 stars). 3 submissions from 3 submitters: Likely benign (3). Last evaluated 2025-07-03.

Conditions:
Cardiovascular phenotype. Identifiers: MedGen CN230736.
Autosomal recessive limb-girdle muscular dystrophy type 2J (LGMDR10). Also called: Limb-girdle muscular dystrophy, type 2J; MUSCULAR DYSTROPHY, LIMB-GIRDLE, AUTOSOMAL RECESSIVE 10. Identifiers: Orphanet 140922, MedGen C1837342, MONDO:0012127, OMIM 608807.
Dilated cardiomyopathy 1G (CMD1G). Identifiers: Orphanet 154, MedGen C1858763, MONDO:0011400, OMIM 604145.

Allele frequency attached by ClinVar (database versions not stated): TOPMed below 0.00001.
gnomAD v4.1: 2 of 1,613,604 alleles (0.00012%); highest among the groups gnomAD compares: Non-Finnish European, 0.00017%; no homozygotes.

Submissions (3):

Ambry Genetics
Classification: Likely benign for Cardiovascular phenotype. Last evaluated: 2025-07-03. Review status: criteria provided, single submitter. Criteria: Ambry Variant Classification Scheme 2023. Collection method: clinical testing. Allele origin: germline.

Labcorp Genetics (formerly Invitae), Labcorp
Classification: Likely benign for Dilated cardiomyopathy 1G; Autosomal recessive limb-girdle muscular dystrophy type 2J. Last evaluated: 2025-01-29. Review status: criteria provided, single submitter. Criteria: Invitae Variant Classification Sherloc (09022015). Collection method: clinical testing. Allele origin: germline.

Laboratory for Molecular Medicine, Mass General Brigham Personalized Medicine
Classification: Likely benign. Last evaluated: 2015-07-17. Review status: criteria provided, single submitter. Criteria: LMM Criteria. Collection method: clinical testing. Allele origin: germline. Observed: 2 variant alleles.
Comment: p.Ser16896Ser in exon 246 of TTN: This variant is not expected to have clinical significance because it does not alter an amino acid residue and is not located within the splice consensus sequence.